The following is an entry in ClinVar:

ClinVar aggregate classification (germline): Uncertain significance (1 of 4 stars; one submission).

Allele frequency attached by ClinVar (database versions not stated): TOPMed below 0.00001.

Submission:

GeneDx
Classification: Uncertain significance. Last evaluated: 2019-10-22. Review status: criteria provided, single submitter. Criteria: GeneDx Variant Classification Process June 2021. Collection method: clinical testing. Allele origin: germline. Affected: yes.
Comment: Not observed in large population cohorts (Lek et al., 2016); In silico analysis, which includes protein predictors and evolutionary conservation, supports a deleterious effect; Has not been previously published as pathogenic or benign to our knowledge

NM_015107.3(PHF8):c.247G>A (p.Gly83Arg)

Gene: PHF8 (PHD finger protein 8; minus strand). Cytogenetic location: Xp11.22.
Variant type: single nucleotide variant.
Coding change: c.247G>A on transcript NM_015107.3 (MANE Select); coding-DNA position 247, G replaced by A.
Protein change: p.Gly83Arg; replaces glycine 83 with arginine.
Molecular consequence: missense variant.
Genome position (GRCh38, 1-based): chrX:54,022,305, C>T on the plus strand (G>A on the coding strand, the complement: PHF8 is on the minus strand). VCF-style: chrX-54022305-C-T. GRCh37 (hg19) VCF-style: chrX-54048738-C-T.
Other names: c.355G>A, p.Gly119Arg (NM_001184896.1); c.247G>A, p.Gly83Arg (NM_001184897.2, NM_001184898.2); short protein forms G83R, G119R.
Identifiers: ClinVar variation 450873 (VCV000450873.3), dbSNP rs1557110214, ClinGen allele CA413246380.
Genomic context (GRCh38, chrX:54,022,305, plus strand): 5'-GCAGGGTTCCTCACCTGTCAAAAGTCCTACTCCGGAGCTCTCTGACGAACGTAGGGCTCC[C>T]GGTCTTCACTGGTTTCCCCTTGTGTGTATCATGCCCCTTTGAAGATCCACGGCGTTTTTT-3'
Protein context (NP_055922.1, residues 73-93): DTHKGKPVKT[Gly83Arg]SPTFVRELRS